The following is an entry in ClinVar:

NM_144736.5(NDUFAF7):c.216+261G>T

Gene: NDUFAF7 (NADH:ubiquinone oxidoreductase complex assembly factor 7; plus strand). Cytogenetic location: 2p22.2.
Variant type: single nucleotide variant.
Coding change: c.216+261G>T on transcript NM_144736.5 (MANE Select); 261 bases into the intron after coding-DNA position 216, G replaced by T.
Molecular consequence: intron variant.
Genome position (GRCh38, 1-based): chr2:37,232,527, G>T. VCF-style: chr2-37232527-G-T. GRCh37 (hg19) VCF-style: chr2-37459670-G-T.
Other names: NC_000002.11:g.37459670G>T; c.216+261G>T (NM_001350024.2, NM_001350027.2, NM_001350025.2 and 1 more transcripts).
Identifiers: ClinVar variation 682730 (VCV000682730.2), dbSNP rs3755195, ClinGen allele CA11112808.

ClinVar aggregate classification (germline): Benign (1 of 4 stars; one submission).

Allele frequency attached by ClinVar (database versions not stated): 1000 Genomes Project 30x 0.27701; 1000 Genomes Project 0.28514; TOPMed 0.30686; gnomAD 0.31921 and 0.31939.
gnomAD v4.1: 48,699 of 152,102 alleles (32%); highest among the groups gnomAD compares: East Asian, 40%; 8,743 homozygotes.

Submissions (10):

GeneDx
Classification: Benign. Last evaluated: 2018-06-14. Review status: criteria provided, single submitter. Criteria: GeneDx Variant Classification (06012015). Collection method: clinical testing. Allele origin: germline. Affected: yes.
Comment: This variant is considered likely benign or benign based on one or more of the following criteria: it is a conservative change, it occurs at a poorly conserved position in the protein, it is predicted to be benign by multiple in silico algorithms, and/or has population frequency not consistent with disease.

Dr. Peter K. Rogan Lab, Western University
No classification provided (evidence only). Condition: Uterine carcinosarcoma. Review status: no classification provided. Collection method: in vitro. Allele origin: not applicable. Functional consequence: retained intron. Not counted in ClinVar's aggregate classification.

Dr. Peter K. Rogan Lab, Western University
No classification provided (evidence only). Condition: Cholangiocarcinoma. Review status: no classification provided. Collection method: in vitro. Allele origin: not applicable. Functional consequence: retained intron. Not counted in ClinVar's aggregate classification.

Dr. Peter K. Rogan Lab, Western University
No classification provided (evidence only). Condition: Cholangiocarcinoma. Review status: no classification provided. Collection method: in vitro. Allele origin: not applicable. Functional consequence: retained intron. Not counted in ClinVar's aggregate classification.

Dr. Peter K. Rogan Lab, Western University
No classification provided (evidence only). Condition: Gastric cancer. Review status: no classification provided. Collection method: in vitro. Allele origin: not applicable. Functional consequence: retained intron. Not counted in ClinVar's aggregate classification.

Dr. Peter K. Rogan Lab, Western University
No classification provided (evidence only). Condition: Gastric cancer. Review status: no classification provided. Collection method: in vitro. Allele origin: not applicable. Functional consequence: retained intron. Not counted in ClinVar's aggregate classification.

Dr. Peter K. Rogan Lab, Western University
No classification provided (evidence only). Condition: Gastric cancer. Review status: no classification provided. Collection method: in vitro. Allele origin: not applicable. Functional consequence: retained intron. Not counted in ClinVar's aggregate classification.

Dr. Peter K. Rogan Lab, Western University
No classification provided (evidence only). Condition: Gastric cancer. Review status: no classification provided. Collection method: in vitro. Allele origin: not applicable. Functional consequence: retained intron. Not counted in ClinVar's aggregate classification.

Dr. Peter K. Rogan Lab, Western University
No classification provided (evidence only). Condition: Uterine carcinosarcoma. Review status: no classification provided. Collection method: in vitro. Allele origin: not applicable. Functional consequence: retained intron. Not counted in ClinVar's aggregate classification.

Dr. Peter K. Rogan Lab, Western University
No classification provided (evidence only). Condition: Uterine carcinosarcoma. Review status: no classification provided. Collection method: in vitro. Allele origin: not applicable. Functional consequence: retained intron. Not counted in ClinVar's aggregate classification.